The following is an entry in ClinVar:

ClinVar aggregate classification (germline): Uncertain significance (1 of 4 stars; one submission).

Submission:

Ambry Genetics
Classification: Uncertain significance. Last evaluated: 2021-10-05. Review status: criteria provided, single submitter. Criteria: Ambry Variant Classification Scheme 2023. Collection method: clinical testing. Allele origin: germline.
Comment: The p.W136L variant (also known as c.407G>T), located in coding exon 1 of the EGLN2 gene, results from a G to T substitution at nucleotide position 407. The tryptophan at codon 136 is replaced by leucine, an amino acid with similar properties. This amino acid position is conserved. In addition, this alteration is predicted to be tolerated by in silico analysis. Since supporting evidence is limited at this time, the clinical significance of this alteration remains unclear.

NM_080732.4(EGLN2):c.407G>T (p.Trp136Leu)

Genes: RAB4B-EGLN2 (RAB4B-EGLN2 readthrough (NMD candidate); plus strand), EGLN2 (egl-9 family hypoxia inducible factor 2; plus strand). Cytogenetic location: 19q13.2.
Variant type: single nucleotide variant.
Coding change: c.407G>T on transcript NM_080732.4 (MANE Select); coding-DNA position 407, G replaced by T.
Protein change: p.Trp136Leu; replaces tryptophan 136 with leucine.
Molecular consequence: missense variant. On other transcripts: non-coding transcript variant (1).
Genome position (GRCh38, 1-based): chr19:40,800,979, G>T. VCF-style: chr19-40800979-G-T. GRCh37 (hg19) VCF-style: chr19-41306884-G-T.
Other names: c.407G>T, p.Trp136Leu (NM_053046.4); short protein forms W136L.
Identifiers: ClinVar variation 1737617 (VCV001737617.2), dbSNP rs2515994003, ClinGen allele CA405955183.